The following is an entry in ClinVar:

ClinVar aggregate classification (germline): Uncertain significance (1 of 4 stars; one submission).

Allele frequency attached by ClinVar (database versions not stated): TOPMed 0.00001; ESP Exome Variant Server 0.00008; gnomAD 0.00003.
gnomAD v4.1: 24 of 1,613,946 alleles (0.0015%); highest among the groups gnomAD compares: East Asian, 0.0067%; no homozygotes.

Submission:

Labcorp Genetics (formerly Invitae), Labcorp
Classification: Uncertain significance. Last evaluated: 2025-12-24. Review status: criteria provided, single submitter. Criteria: Invitae Variant Classification Sherloc (09022015). Collection method: clinical testing. Allele origin: germline.
Comment: This sequence change replaces arginine, which is basic and polar, with cysteine, which is neutral and slightly polar, at codon 616 of the RNF31 protein (p.Arg616Cys). This variant is present in population databases (rs374504041, gnomAD 0.005%). This variant has not been reported in the literature in individuals affected with RNF31-related conditions. ClinVar contains an entry for this variant (Variation ID: 2894973). An algorithm developed to predict the effect of missense changes on protein structure and function (PolyPhen-2) suggests that this variant is likely to be disruptive. In summary, the available evidence is currently insufficient to determine the role of this variant in disease. Therefore, it has been classified as a Variant of Uncertain Significance.

NM_017999.5(RNF31):c.1846C>T (p.Arg616Cys)

Gene: RNF31 (ring finger protein 31; plus strand). Cytogenetic location: 14q12.
Variant type: single nucleotide variant.
Coding change: c.1846C>T on transcript NM_017999.5 (MANE Select); coding-DNA position 1846, C replaced by T.
Protein change: p.Arg616Cys; replaces arginine 616 with cysteine.
Molecular consequence: missense variant.
Genome position (GRCh38, 1-based): chr14:24,151,593, C>T. VCF-style: chr14-24151593-C-T. GRCh37 (hg19) VCF-style: chr14-24620802-C-T.
Other names: c.1393C>T, p.Arg465Cys (NM_001310332.2); short protein forms R616C, R465C.
Identifiers: ClinVar variation 2894973 (VCV002894973.3), dbSNP rs374504041, ClinGen allele CA7125899.